The following is an entry in ClinVar:

ClinVar aggregate classification (germline): Benign (1 of 4 stars; one submission).

Allele frequency attached by ClinVar (database versions not stated): 1000 Genomes Project 0.50779; 1000 Genomes Project 30x 0.50984; gnomAD 0.57710 and 0.58170; TOPMed 0.58001.
gnomAD v4.1: 87,905 of 151,996 alleles (58%); highest among the groups gnomAD compares: Admixed American, 67%; 26,202 homozygotes.

Submission:

GeneDx
Classification: Benign. Last evaluated: 2018-06-14. Review status: criteria provided, single submitter. Criteria: GeneDx Variant Classification (06012015). Collection method: clinical testing. Allele origin: germline. Affected: yes.
Comment: This variant is considered likely benign or benign based on one or more of the following criteria: it is a conservative change, it occurs at a poorly conserved position in the protein, it is predicted to be benign by multiple in silico algorithms, and/or has population frequency not consistent with disease.

NM_000540.3(RYR1):c.2168-281C>T

Gene: RYR1 (ryanodine receptor 1; plus strand). Cytogenetic location: 19q13.2.
Variant type: single nucleotide variant.
Coding change: c.2168-281C>T on transcript NM_000540.3 (MANE Select); 281 bases into the intron before coding-DNA position 2168, C replaced by T.
Molecular consequence: intron variant.
Genome position (GRCh38, 1-based): chr19:38,458,865, C>T. VCF-style: chr19-38458865-C-T. GRCh37 (hg19) VCF-style: chr19-38949505-C-T.
Other names: c.2168-281C>T (NM_001042723.2).
Identifiers: ClinVar variation 680757 (VCV000680757.1), dbSNP rs7252456, ClinGen allele CA14642187.
Genomic context (GRCh38, chr19:38,458,865, plus strand): 5'-AGTAGAGACAGGGTTTCACCACATTGGCCAGGCTGGTCTCCTGACCTCAAGTGATCCATC[C>T]GCCTTGGCCTTCCAAAGTGCTGGGATTACAGGTGTGAGCCACTGCATCCGGCCCCCAGGA-3'